The following is an entry in ClinVar:

NM_020693.4(DSCAML1):c.3708G>A (p.Pro1236=)

Gene: DSCAML1 (DS cell adhesion molecule like 1; minus strand). Cytogenetic location: 11q23.3.
Variant type: single nucleotide variant.
Coding change: c.3708G>A on transcript NM_020693.4 (MANE Select); coding-DNA position 3708, G replaced by A.
Protein change: p.Pro1236=; no amino-acid change (proline 1236 retained).
Molecular consequence: synonymous variant.
Genome position (GRCh38, 1-based): chr11:117,450,549, C>T on the plus strand (G>A on the coding strand, the complement: DSCAML1 is on the minus strand). VCF-style: chr11-117450549-C-T. GRCh37 (hg19) VCF-style: chr11-117321265-C-T.
Identifiers: ClinVar variation 2073391 (VCV002073391.4), dbSNP rs2543051752, ClinGen allele CA476895187.

ClinVar aggregate classification (germline): Uncertain significance (1 of 4 stars; one submission).

gnomAD v4.1: 2 of 1,613,790 alleles (0.00012%); highest among the groups gnomAD compares: Non-Finnish European, 0.00017%; no homozygotes.

Submission:

Labcorp Genetics (formerly Invitae), Labcorp
Classification: Uncertain significance. Last evaluated: 2024-10-29. Review status: criteria provided, single submitter. Criteria: Invitae Variant Classification Sherloc (09022015). Collection method: clinical testing. Allele origin: germline.
Comment: This sequence change affects codon 1296 of the DSCAML1 mRNA. It is a 'silent' change, meaning that it does not change the encoded amino acid sequence of the DSCAML1 protein. This variant also falls at the last nucleotide of exon 20, which is part of the consensus splice site for this exon. This variant is not present in population databases (gnomAD no frequency). This variant has not been reported in the literature in individuals affected with DSCAML1-related conditions. ClinVar contains an entry for this variant (Variation ID: 2073391). Variants that disrupt the consensus splice site are a relatively common cause of aberrant splicing (PMID: 17576681, 9536098). Algorithms developed to predict the effect of sequence changes on RNA splicing suggest that this variant may disrupt the consensus splice site. In summary, the available evidence is currently insufficient to determine the role of this variant in disease. Therefore, it has been classified as a Variant of Uncertain Significance.

Literature cited by the submitters: PubMed 17576681; PubMed 9536098.